The following is an entry in ClinVar:

ClinVar aggregate classification (germline): Likely benign. Review status: criteria provided, multiple submitters, no conflicts (2 of 4 stars). 2 submissions from 2 submitters: Likely benign (2). Last evaluated 2025-12-23.

Conditions:
Werner syndrome (WRN). Identifiers: Orphanet 902, MedGen C0043119, MONDO:0010196, OMIM 277700.

Allele frequency attached by ClinVar (database versions not stated): ESP Exome Variant Server 0.00008; gnomAD 0.00008 and 0.00010; ExAC 0.00012; gnomAD exomes 0.00013 and 0.00019; 1000 Genomes Project 30x 0.00016; TOPMed 0.00018; 1000 Genomes Project 0.00020.
gnomAD v4.1: 292 of 1,613,790 alleles (0.018%); highest among the groups gnomAD compares: Non-Finnish European, 0.022%; no homozygotes.

Submissions (2):

Labcorp Genetics (formerly Invitae), Labcorp
Classification: Likely benign for Werner syndrome. Last evaluated: 2025-12-23. Review status: criteria provided, single submitter. Criteria: Invitae Variant Classification Sherloc (09022015). Collection method: clinical testing. Allele origin: germline.

CeGaT Center for Human Genetics Tuebingen
Classification: Likely benign. Last evaluated: 2025-07-01. Review status: criteria provided, single submitter. Criteria: CeGaT Center For Human Genetics Tuebingen Variant Classification Criteria Version 2. Collection method: clinical testing. Allele origin: germline. Affected: yes. Observed: 1 variant allele.
Comment: WRN: BP4, BP7

NM_000553.6(WRN):c.1182G>A (p.Ser394=)

Gene: WRN (WRN RecQ like helicase; plus strand). Cytogenetic location: 8p12.
Variant type: single nucleotide variant.
Coding change: c.1182G>A on transcript NM_000553.6 (MANE Select); coding-DNA position 1182, G replaced by A.
Protein change: p.Ser394=; no amino-acid change (serine 394 retained).
Molecular consequence: synonymous variant.
Genome position (GRCh38, 1-based): chr8:31,081,209, G>A. VCF-style: chr8-31081209-G-A. GRCh37 (hg19) VCF-style: chr8-30938725-G-A.
Identifiers: ClinVar variation 412706 (VCV000412706.19), dbSNP rs138565529, ClinGen allele CA4704265.